The following is an entry in ClinVar:

NM_000117.3(EMD):c.547C>T (p.Pro183Ser)

Gene: EMD (emerin; plus strand). Cytogenetic location: Xq28.
Variant type: single nucleotide variant.
Coding change: c.547C>T on transcript NM_000117.3 (MANE Select); coding-DNA position 547, C replaced by T.
Protein change: p.Pro183Ser; replaces proline 183 with serine.
Molecular consequence: missense variant.
Genome position (GRCh38, 1-based): chrX:154,380,979, C>T. VCF-style: chrX-154380979-C-T. GRCh37 (hg19) VCF-style: chrX-153609339-C-T.
Other names: c.547C>T (NM_000117.2); short protein forms P183S.
Identifiers: ClinVar variation 1038252 (VCV001038252.9), dbSNP rs104894806, ClinGen allele CA415258788.

ClinVar aggregate classification (germline): Conflicting classifications of pathogenicity. Review status: criteria provided, conflicting classifications (1 of 4 stars). 3 submissions from 3 submitters: Likely pathogenic (1); Uncertain significance (1); Likely benign (1). Last evaluated 2024-09-08.

Conditions:
Cardiovascular phenotype. Identifiers: MedGen CN230736.
EMD-related disorders.
X-linked Emery-Dreifuss muscular dystrophy. Also called: Muscular dystrophy, tardive Emery-Dreifuss type, with contractures. Identifiers: Orphanet 261, Orphanet 98863, MedGen C0751337, MONDO:0010680.

Allele frequency attached by ClinVar (database versions not stated): gnomAD exomes below 0.00001.
gnomAD v4.1: 1 of 1,211,476 alleles (0.000083%); highest among the groups gnomAD compares: Non-Finnish European, 0.00011%; no homozygotes.

Submissions (3):

Ambry Genetics
Classification: Likely benign for Cardiovascular phenotype. Last evaluated: 2024-09-08. Review status: criteria provided, single submitter. Criteria: Ambry Variant Classification Scheme 2023. Collection method: clinical testing. Allele origin: germline.

Labcorp Genetics (formerly Invitae), Labcorp
Classification: Uncertain significance for X-linked Emery-Dreifuss muscular dystrophy. Last evaluated: 2024-04-29. Review status: criteria provided, single submitter. Criteria: Invitae Variant Classification Sherloc (09022015). Collection method: clinical testing. Allele origin: germline.
Comment: This sequence change replaces proline, which is neutral and non-polar, with serine, which is neutral and polar, at codon 183 of the EMD protein (p.Pro183Ser). This variant is not present in population databases (gnomAD no frequency). This variant has not been reported in the literature in individuals affected with EMD-related conditions. ClinVar contains an entry for this variant (Variation ID: 1038252). Advanced modeling of protein sequence and biophysical properties (such as structural, functional, and spatial information, amino acid conservation, physicochemical variation, residue mobility, and thermodynamic stability) performed at Invitae indicates that this missense variant is not expected to disrupt EMD protein function with a negative predictive value of 80%. This variant disrupts the p.Pro183 amino acid residue in EMD. Other variant(s) that disrupt this residue have been determined to be pathogenic (PMID: 10323252, 10382909, 10393813, 17067998, 26415001, 26675233). This suggests that this residue is clinically significant, and that variants that disrupt this residue are likely to be disease-causing. In summary, the available evidence is currently insufficient to determine the role of this variant in disease. Therefore, it has been classified as a Variant of Uncertain Significance.

Blueprint Genetics
Classification: Likely pathogenic for EMD-related disorders. Last evaluated: 2021-04-06. Review status: criteria provided, single submitter. Criteria: ACMG Guidelines, 2015. Collection method: clinical testing. Allele origin: germline. Affected: yes. Observed: 2 variant alleles.

Literature cited by the submitters: PubMed 10323252 (cited by Labcorp Genetics (formerly Invitae), Labcorp); PubMed 10382909 (cited by Labcorp Genetics (formerly Invitae), Labcorp); PubMed 10393813 (cited by Labcorp Genetics (formerly Invitae), Labcorp); PubMed 17067998 (cited by Labcorp Genetics (formerly Invitae), Labcorp); PubMed 26415001 (cited by Labcorp Genetics (formerly Invitae), Labcorp); PubMed 26675233 (cited by Labcorp Genetics (formerly Invitae), Labcorp).